The following is an entry in ClinVar:

NM_018263.6(ASXL2):c.620C>T (p.Pro207Leu)

Gene: ASXL2 (ASXL transcriptional regulator 2; minus strand). Cytogenetic location: 2p23.3.
Variant type: single nucleotide variant.
Coding change: c.620C>T on transcript NM_018263.6 (MANE Select); coding-DNA position 620, C replaced by T.
Protein change: p.Pro207Leu; replaces proline 207 with leucine.
Molecular consequence: missense variant. On other transcripts: 5 prime UTR variant (1).
Genome position (GRCh38, 1-based): chr2:25,768,753, G>A on the plus strand (C>T on the coding strand, the complement: ASXL2 is on the minus strand). VCF-style: chr2-25768753-G-A. GRCh37 (hg19) VCF-style: chr2-25991622-G-A.
Other names: c.446C>T, p.Pro149Leu (NM_001369346.1); c.-161C>T (NM_001369347.1); short protein forms P149L, P207L.
Identifiers: ClinVar variation 930582 (VCV000930582.3), dbSNP rs2088396238, ClinGen allele CA346082040.
Genomic context (GRCh38, chr2:25,768,753, plus strand): 5'-AATACTAGGAAAAAGAAACTTCCATTGAAAAACTGCCCAAACTGCCTACCAGGTTTGGCA[G>A]GTACAGAGTCACTGGCTGCTTTGACAGTCTTTAGTGAGAGATGCTGGTTGGAGGAGATGG-3'
Protein context (NP_060733.4, residues 197-217): KTVKAASDSV[Pro207Leu]AKPATWEGKQ

ClinVar aggregate classification (germline): Uncertain significance (1 of 4 stars; one submission).

Conditions:
Shashi-Pena syndrome (SHAPNS). Identifiers: Orphanet 689408, MedGen C4310672, MONDO:0014963, OMIM 617190.

Submission:

Centre for Mendelian Genomics, University Medical Centre Ljubljana
Classification: Uncertain significance for Shashi-Pena syndrome. Last evaluated: 2019-10-03. Review status: criteria provided, single submitter. Criteria: ACMG Guidelines, 2015. Collection method: clinical testing. Allele origin: unknown. Affected: yes.
Comment: This variant was classified as: Uncertain significance. The available evidence on this variant's pathogenicity is insufficient or conflicting. The following ACMG criteria were applied in classifying this variant: PM2.